The following is an entry in ClinVar:

ClinVar aggregate classification (germline): Uncertain significance (1 of 4 stars; one submission).

Conditions:
Transcobalamin II deficiency (TCN2D). Also called: TC II DEFICIENCY; TCN2 DEFICIENCY; Transcolabamin II deficiency. Identifiers: Orphanet 859, MedGen C0342701, MONDO:0010149, OMIM 275350.

Submission:

Labcorp Genetics (formerly Invitae), Labcorp
Classification: Uncertain significance for Transcobalamin II deficiency. Last evaluated: 2022-07-23. Review status: criteria provided, single submitter. Criteria: Invitae Variant Classification Sherloc (09022015). Collection method: clinical testing. Allele origin: germline.
Comment: In summary, the available evidence is currently insufficient to determine the role of this variant in disease. Therefore, it has been classified as a Variant of Uncertain Significance. Algorithms developed to predict the effect of missense changes on protein structure and function are either unavailable or do not agree on the potential impact of this missense change (SIFT: "Tolerated"; PolyPhen-2: "Possibly Damaging"; Align-GVGD: "Class C0"). This variant has not been reported in the literature in individuals affected with TCN2-related conditions. This sequence change replaces alanine, which is neutral and non-polar, with valine, which is neutral and non-polar, at codon 282 of the TCN2 protein (p.Ala282Val). This variant is not present in population databases (gnomAD no frequency).

NM_000355.4(TCN2):c.845C>T (p.Ala282Val)

Gene: TCN2 (transcobalamin 2; plus strand). Cytogenetic location: 22q12.2.
Variant type: single nucleotide variant.
Coding change: c.845C>T on transcript NM_000355.4 (MANE Select); coding-DNA position 845, C replaced by T.
Protein change: p.Ala282Val; replaces alanine 282 with valine.
Molecular consequence: missense variant.
Genome position (GRCh38, 1-based): chr22:30,615,692, C>T. VCF-style: chr22-30615692-C-T. GRCh37 (hg19) VCF-style: chr22-31011679-C-T.
Other names: c.764C>T, p.Ala255Val (NM_001184726.2); short protein forms A255V, A282V.
Identifiers: ClinVar variation 1994491 (VCV001994491.2), dbSNP rs2517909855, ClinGen allele CA411213371.